The following is an entry in ClinVar:

ClinVar aggregate classification (germline): Uncertain significance (1 of 4 stars; one submission).

Submission:

GeneDx
Classification: Uncertain significance. Last evaluated: 2026-01-16. Review status: criteria provided, single submitter. Criteria: GeneDx Variant Classification Process June 2021. Collection method: clinical testing. Allele origin: germline. Affected: yes.
Comment: Not observed at significant frequency in large population cohorts (gnomAD); In silico analysis suggests that this missense variant does not alter protein structure/function; Has not been previously published as pathogenic or benign to our knowledge

NM_000082.4(ERCC8):c.577T>C (p.Ser193Pro)

Gene: ERCC8 (ERCC excision repair 8, CSA ubiquitin ligase complex subunit; minus strand). Cytogenetic location: 5q12.1.
Variant type: single nucleotide variant.
Coding change: c.577T>C on transcript NM_000082.4 (MANE Select); coding-DNA position 577, T replaced by C.
Protein change: p.Ser193Pro; replaces serine 193 with proline.
Molecular consequence: missense variant.
Genome position (GRCh38, 1-based): chr5:60,902,482, A>G on the plus strand (T>C on the coding strand, the complement: ERCC8 is on the minus strand). VCF-style: chr5-60902482-A-G. GRCh37 (hg19) VCF-style: chr5-60198309-A-G.
Other names: c.403T>C, p.Ser135Pro (NM_001007233.3); c.118T>C, p.Ser40Pro (NM_001290285.2); short protein forms S135P, S193P, S40P.
Identifiers: ClinVar variation 1696999 (VCV001696999.3), dbSNP rs2112491301, ClinGen allele CA359825948.